The following is an entry in ClinVar:

ClinVar aggregate classification (germline): Pathogenic. Review status: criteria provided, multiple submitters, no conflicts (2 of 4 stars). 2 submissions from 2 submitters: Pathogenic (2). Last evaluated 2023-11-19.

Conditions:
Combined oxidative phosphorylation defect type 17. Also called: Combined oxidative phosphorylation deficiency 17. Identifiers: Orphanet 369913, MedGen C3809526, MONDO:0014190, OMIM 615440.

Submissions (2):

GeneDx
Classification: Pathogenic. Last evaluated: 2023-11-19. Review status: criteria provided, single submitter. Criteria: GeneDx Variant Classification Process June 2021. Collection method: clinical testing. Allele origin: germline. Affected: yes.
Comment: Frameshift variant predicted to result in protein truncation or nonsense mediated decay in a gene for which loss of function is a known mechanism of disease; Reported with a second variant on the opposite allele (in trans) in a patient with global developmental delay, hypotonia, dysmorphic features, microcephaly, failure to thrive, hypertorphic cardiomyopathy requiring transplant, and abnormal respiratory chain studies (ClinVar); Identified in a patient in published literature with hypertorphic cardiomyopathy, failure to thrive, vomiting, renal failure, G-tube dependence, anemia, and thrombocytopenia, although a second ELAC2 variant was not reported (PMID: 27312126); Not observed at significant frequency in large population cohorts (gnomAD); This variant is associated with the following publications: (PMID: 25326635, 27312126)

Baylor Genetics
Classification: Pathogenic for Combined oxidative phosphorylation defect type 17. Last evaluated: 2017-09-01. Review status: criteria provided, single submitter. Criteria: ACMG Guidelines, 2015. Collection method: clinical testing. Allele origin: paternal. Inheritance: Autosomal recessive inheritance. Affected: yes.

Literature cited by the submitters: PubMed 25326635 (cited by Baylor Genetics).

NM_018127.7(ELAC2):c.457del (p.Ile153fs)

Gene: ELAC2 (elaC ribonuclease Z 2; minus strand). Cytogenetic location: 17p12.
Variant type: Deletion.
Coding change: c.457del on transcript NM_018127.7 (MANE Select); coding-DNA position 457, one base deleted (A; older notation c.457delA).
Protein change: p.Ile153fs; shifts the reading frame from isoleucine 153.
Molecular consequence: frameshift variant.
Genome position (GRCh38, 1-based): chr17:13,014,472, T deleted on the plus strand (A on the coding strand, the reverse complement: ELAC2 is on the minus strand); the first of 4 consecutive T bases (chr17:13,014,472-13,014,475); deleting any one gives the same sequence. VCF-style (leftmost placement, unchanged base first): chr17-13014471-AT-A. GRCh37 (hg19) VCF-style: chr17-12917788-AT-A.
Other names: c.457del, p.Ile153fs (NM_001165962.2, NM_173717.2); c.457delA (NM_018127.6); c.457del (NM_018127.6); short protein forms I153fs.
Identifiers: ClinVar variation 561001 (VCV000561001.3), dbSNP rs1567773277, ClinGen allele CA658824172.